The following is an entry in ClinVar:

ClinVar aggregate classification (germline): Benign/Likely benign. Review status: criteria provided, multiple submitters, no conflicts (2 of 4 stars). 7 submissions from 7 submitters: Benign (4); Likely benign (2). 1 of the submissions does not count toward it. Last evaluated 2026-07-01.

Conditions:
Autosomal dominant polycystic kidney disease. Identifiers: Orphanet 730, MedGen C0085413, MONDO:0004691.
Polycystic kidney disease 2 (PKD2). Also called: Polycystic Kidney Disease 2, Autosomal Dominant; POLYCYSTIC KIDNEY DISEASE, ADULT, TYPE II; POLYCYSTIC KIDNEY DISEASE 2 WITH OR WITHOUT POLYCYSTIC LIVER DISEASE. Identifiers: MedGen C2751306, MONDO:0013131, OMIM 613095.
Polycystic kidney disease. Also called: Kidney, Polycystic; Polycystic kidney dysplasia. Identifiers: MedGen C0022680, MeSH D007690, MONDO:0020642, HP:0000113.

Allele frequency attached by ClinVar (database versions not stated): ESP Exome Variant Server 0.00015; gnomAD 0.00065 and 0.00100; gnomAD exomes 0.00112 and 0.00236; TOPMed 0.00112; ExAC 0.00242; 1000 Genomes Project 0.00639; 1000 Genomes Project 30x 0.00640.
gnomAD v4.1: 1,826 of 1,613,050 alleles (0.11%); highest among the groups gnomAD compares: East Asian, 3.5%; 31 homozygotes.

Submissions (7):

CeGaT Center for Human Genetics Tuebingen
Classification: Benign. Last evaluated: 2026-07-01. Review status: criteria provided, single submitter. Criteria: CeGaT Center For Human Genetics Tuebingen Variant Classification Criteria Version 2. Collection method: clinical testing. Allele origin: germline. Affected: yes. Observed: 1 variant allele.
Comment: PKD2: BP4, BS1, BS2

Labcorp Genetics (formerly Invitae), Labcorp
Classification: Benign for Autosomal dominant polycystic kidney disease. Last evaluated: 2026-02-02. Review status: criteria provided, single submitter. Criteria: Invitae Variant Classification Sherloc (09022015). Collection method: clinical testing. Allele origin: germline.

Mayo Clinic Laboratories, Mayo Clinic
Classification: Benign. Last evaluated: 2025-02-25. Review status: criteria provided, single submitter. Criteria: ACMG Guidelines, 2015. Collection method: clinical testing. Allele origin: germline. Observed: 1 variant allele.
Comment: BS1, BS2, BP4_moderate

Blueprint Genetics
Classification: Likely benign. Last evaluated: 2024-11-25. Review status: criteria provided, single submitter. Criteria: ACMG Guidelines, 2015. Collection method: clinical testing. Allele origin: germline.

GeneDx
Classification: Benign. Last evaluated: 2021-06-22. Review status: criteria provided, single submitter. Criteria: GeneDx Variant Classification Process June 2021. Collection method: clinical testing. Allele origin: germline. Affected: yes.
Comment: This variant is associated with the following publications: (PMID: 17100995, 29321346)

Illumina Laboratory Services, Illumina
Classification: Likely benign for Polycystic kidney disease 2. Last evaluated: 2017-04-27. Review status: criteria provided, single submitter. Criteria: ICSL Variant Classification Criteria 13 December 2019. Collection method: clinical testing. Allele origin: germline.
Comment: This variant was observed as part of a predisposition screen in an ostensibly healthy population. A literature search was performed for the gene, cDNA change, and amino acid change (where applicable). Publications were found based on this search. The evidence from the literature, in combination with allele frequency data from public databases where available, was sufficient to determine this variant is unlikely to cause disease. Therefore, this variant is classified as likely benign.

Department of Pathology and Laboratory Medicine, Sinai Health System
Classification: Benign for Polycystic Kidney disease. Review status: no assertion criteria provided. Collection method: clinical testing. Allele origin: unknown. Affected: yes. Study: The Canadian Open Genetics Repository (COGR). Not counted in ClinVar's aggregate classification.
Comment: The PKD2 p.Ile452Val variant was identified in 3 of 758 proband chromosomes (frequency: 0.004) from individuals or families with PKD (Rossetti 2012, Yu 2011, Raj, 2017). The variant was also identified in ClinVar (as Likely benign by 1 submitter, Illumina), and ADPKD Mutation Database (Likely neutral by Athena Diagnostics) databases. The variant was not identified in Genesight-COGR, LOVD 3.0, PKD1-LOVD, databases. The variant was identified in dbSNP (ID: rs1801612) â€šÃ„ÃºWith Likely benign alleleâ€šÃ„Ã¹ and in control databases in 592 of 277162 chromosomes at a frequency of 0.002136 increasing the likelihood this could be a low frequency benign variant (Genome Aggregation Consortium Feb 27, 2017). The variant was identified in the following populations at a frequency greater than 1%: East Asian in 538 of 18868 chromosomes (freq: 0.029). The variant is listed as a polymorphism in both the Chinese Han population (Yu, 2011) and the Korean population (Kim, 1999). In addition, Kim et al. found the variant at a frequency of 0.33 in unaffected controls, and state that the variant is found to be in Hardy-Weinberg equilibrium in the Korean population (Kim 1999). The p.Ile452Val residue is not conserved in mammals and four out of five computational analyses (PolyPhen-2, SIFT, AlignGVGD, BLOSUM, MutationTaster) do not suggest a high likelihood of impact to the protein; however, this information is not predictive enough to rule out pathogenicity. The variant occurs outside of the splicing consensus sequence and in silico or computational prediction software programs (SpliceSiteFinder, MaxEntScan, NNSPLICE, GeneSplicer, HumanSpliceFinder) do not predict a difference in splicing. The variant is located with the Polycystin cation channel, PKD1/PKD2 functional domain(s), but both amino acids, wild type and variant, Ile and Val, have hydrophobic side chains. In summary, based on the above information this variant meets our laboratory criteria to be classified as benign.

Literature cited by the submitters: PubMed 10369752 (cited by Mayo Clinic Laboratories, Mayo Clinic); PubMed 17100995 (cited by Mayo Clinic Laboratories, Mayo Clinic); PubMed 29321346 (cited by Mayo Clinic Laboratories, Mayo Clinic); PubMed 39188533 (cited by Mayo Clinic Laboratories, Mayo Clinic); PubMed 22383692 (cited by Illumina Laboratory Services, Illumina).

NM_000297.4(PKD2):c.1354A>G (p.Ile452Val)

Gene: PKD2 (polycystin 2, transient receptor potential cation channel; plus strand). Cytogenetic location: 4q22.1.
Variant type: single nucleotide variant.
Coding change: c.1354A>G on transcript NM_000297.4 (MANE Select); coding-DNA position 1354, A replaced by G.
Protein change: p.Ile452Val; replaces isoleucine 452 with valine.
Molecular consequence: missense variant. On other transcripts: non-coding transcript variant (1).
Genome position (GRCh38, 1-based): chr4:88,046,676, A>G. VCF-style: chr4-88046676-A-G. GRCh37 (hg19) VCF-style: chr4-88967828-A-G.
Other names: short protein forms I452V.
Identifiers: ClinVar variation 350022 (VCV000350022.22), dbSNP rs1801612, ClinGen allele CA3003937.
Genomic context (GRCh38, chr4:88,046,676, plus strand): 5'-TTTTAATTGTTCTTATTTACATGCAGGTTATTGGTTGAATTCCCAGCAACAGGTGGTGTG[A>G]TTCCATCTTGGCAATTTCAGCCTTTAAAGCTGATCCGATATGTCACAACTTTTGATTTCT-3'
Protein context (NP_000288.1, residues 442-462): LVEFPATGGV[Ile452Val]PSWQFQPLKL